The following is an entry in ClinVar:

NM_004612.4(TGFBR1):c.88G>C (p.Gly30Arg)

Gene: TGFBR1 (transforming growth factor beta receptor 1; plus strand). Cytogenetic location: 9q22.33.
Variant type: single nucleotide variant.
Coding change: c.88G>C on transcript NM_004612.4 (MANE Select); coding-DNA position 88, G replaced by C.
Protein change: p.Gly30Arg; replaces glycine 30 with arginine.
Molecular consequence: missense variant.
Genome position (GRCh38, 1-based): chr9:99,105,293, G>C. VCF-style: chr9-99105293-G-C. GRCh37 (hg19) VCF-style: chr9-101867575-G-C.
Other names: c.88G>C, p.Gly30Arg (NM_001130916.3, NM_001306210.2); short protein forms G30R.
Identifiers: ClinVar variation 934744 (VCV000934744.12), dbSNP rs1826374374, ClinGen allele CA374223877.
Genomic context (GRCh38, chr9:99,105,293, plus strand): 5'-CCCCGGCTGCTCCTCCTCGTGCTGGCGGCGGCGGCGGCGGCGGCGGCGGCGCTGCTCCCG[G>C]GGGCGACGGGTGAGCGGCGGCGCGGCGGGCGGGCGACTGCGGGGCGCGCGGGCCGGACCC-3'
Protein context (NP_004603.1, residues 20-40): AAAAAAALLP[Gly30Arg]ATALQCFCHL

ClinVar aggregate classification (germline): Uncertain significance. Review status: criteria provided, multiple submitters, no conflicts (2 of 4 stars). 2 submissions from 2 submitters: Uncertain significance (2). Last evaluated 2023-03-23.

Conditions:
Familial thoracic aortic aneurysm and aortic dissection (TAAD). Also called: Thoracic aortic aneurysms and dissections. Identifiers: Orphanet 91387, MedGen C4707243, MONDO:0019625.
Loeys-Dietz syndrome 1 (LDS1). Also called: AORTIC ANEURYSM, FAMILIAL THORACIC 5; TGFBR1-Related Loeys-Dietz Syndrome; FURLONG SYNDROME. Identifiers: Orphanet 60030, MedGen C4551955, MONDO:0012212, OMIM 609192.

Allele frequency attached by ClinVar (database versions not stated): gnomAD exomes below 0.00001; gnomAD 0.00001.
gnomAD v4.1: 2 of 991,732 alleles (0.0002%); highest among the groups gnomAD compares: Non-Finnish European, 0.00024%; no homozygotes.

Submissions (2):

Labcorp Genetics (formerly Invitae), Labcorp
Classification: Uncertain significance for Familial thoracic aortic aneurysm and aortic dissection. Last evaluated: 2023-03-23. Review status: criteria provided, single submitter. Criteria: Invitae Variant Classification Sherloc (09022015). Collection method: clinical testing. Allele origin: germline.
Comment: This sequence change replaces glycine, which is neutral and non-polar, with arginine, which is basic and polar, at codon 30 of the TGFBR1 protein (p.Gly30Arg). The frequency data for this variant in the population databases is considered unreliable, as metrics indicate insufficient coverage at this position in the gnomAD database. This variant has not been reported in the literature in individuals affected with TGFBR1-related conditions. ClinVar contains an entry for this variant (Variation ID: 934744). Advanced modeling of protein sequence and biophysical properties (such as structural, functional, and spatial information, amino acid conservation, physicochemical variation, residue mobility, and thermodynamic stability) performed at Invitae indicates that this missense variant is not expected to disrupt TGFBR1 protein function. In summary, the available evidence is currently insufficient to determine the role of this variant in disease. Therefore, it has been classified as a Variant of Uncertain Significance.

Revvity Omics, Revvity
Classification: Uncertain significance for Loeys-Dietz syndrome 1. Last evaluated: 2019-05-28. Review status: criteria provided, single submitter. Criteria: ACMG Guidelines, 2015. Collection method: clinical testing. Allele origin: germline.